The following is an entry in ClinVar:

ClinVar aggregate classification (germline): Uncertain significance (1 of 4 stars; one submission).

Submission:

GeneDx
Classification: Uncertain significance. Last evaluated: 2015-03-03. Review status: criteria provided, single submitter. Criteria: GeneDx Variant Classification Process June 2021. Collection method: clinical testing. Allele origin: germline. Affected: yes.
Comment: Not observed in large population cohorts (Lek et al., 2016); In silico analysis, which includes protein predictors and evolutionary conservation, supports a deleterious effect; This variant is associated with the following publications: (PMID: 32165109)

NM_007126.5(VCP):c.511A>C (p.Ser171Arg)

Gene: VCP (valosin containing protein; minus strand). Cytogenetic location: 9p13.3.
Variant type: single nucleotide variant.
Coding change: c.511A>C on transcript NM_007126.5 (MANE Select); coding-DNA position 511, A replaced by C.
Protein change: p.Ser171Arg; replaces serine 171 with arginine.
Molecular consequence: missense variant.
Genome position (GRCh38, 1-based): chr9:35,065,316, T>G on the plus strand (A>C on the coding strand, the complement: VCP is on the minus strand). VCF-style: chr9-35065316-T-G. GRCh37 (hg19) VCF-style: chr9-35065313-T-G.
Other names: c.376A>C, p.Ser126Arg (NM_001354927.2, NM_001354928.2); short protein forms S126R, S171R.
Identifiers: ClinVar variation 1183364 (VCV001183364.2), dbSNP rs2131036685, ClinGen allele CA373289239.